The following is an entry in ClinVar:

ClinVar aggregate classification (germline): Uncertain significance (1 of 4 stars; one submission).

Submission:

GeneDx
Classification: Uncertain significance. Last evaluated: 2024-05-23. Review status: criteria provided, single submitter. Criteria: GeneDx Variant Classification Process June 2021. Collection method: clinical testing. Allele origin: germline. Affected: yes.
Comment: Not observed at significant frequency in large population cohorts (gnomAD); In silico analysis supports that this missense variant does not alter protein structure/function; Has not been previously published as pathogenic or benign to our knowledge; In silico analysis suggests this variant may impact gene splicing. In the absence of RNA/functional studies, the actual effect of this sequence change is unknown.

NM_014727.3(KMT2B):c.6385G>A (p.Ala2129Thr)

Gene: KMT2B (lysine methyltransferase 2B; plus strand). Cytogenetic location: 19q13.12.
Variant type: single nucleotide variant.
Coding change: c.6385G>A on transcript NM_014727.3 (MANE Select); coding-DNA position 6385, G replaced by A.
Protein change: p.Ala2129Thr; replaces alanine 2129 with threonine.
Molecular consequence: missense variant.
Genome position (GRCh38, 1-based): chr19:35,732,934, G>A. VCF-style: chr19-35732934-G-A. GRCh37 (hg19) VCF-style: chr19-36223835-G-A.
Other names: short protein forms A2129T.
Identifiers: ClinVar variation 3381417 (VCV003381417.1).